The following is an entry in ClinVar:

ClinVar aggregate classification (germline): Pathogenic (1 of 4 stars; one submission).

Conditions:
Congenital adrenal hyperplasia due to cytochrome P450 oxidoreductase deficiency. Also called: DISORDERED STEROIDOGENESIS DUE TO POR DEFICIENCY. Identifiers: Orphanet 95699, MedGen C1860042, MONDO:0013310, OMIM 613571.

Submission:

Labcorp Genetics (formerly Invitae), Labcorp
Classification: Pathogenic for Congenital adrenal hyperplasia due to cytochrome P450 oxidoreductase deficiency. Last evaluated: 2023-08-18. Review status: criteria provided, single submitter. Criteria: Invitae Variant Classification Sherloc (09022015). Collection method: clinical testing. Allele origin: germline.
Comment: This sequence change creates a premature translational stop signal (p.Asp132Alafs*125) in the POR gene. It is expected to result in an absent or disrupted protein product. Loss-of-function variants in POR are known to be pathogenic (PMID: 14758361, 20732302, 21741353). This variant is not present in population databases (gnomAD no frequency). This variant has not been reported in the literature in individuals affected with POR-related conditions. For these reasons, this variant has been classified as Pathogenic.

Literature cited by the submitters: PubMed 14758361; PubMed 20732302; PubMed 21741353.

NM_001395413.1(POR):c.386del (p.Asp129fs)

Gene: POR (cytochrome p450 oxidoreductase; plus strand). Cytogenetic location: 7q11.23.
Variant type: Deletion.
Coding change: c.386del on transcript NM_001395413.1 (MANE Select); coding-DNA position 386, one base deleted (A; older notation c.386delA).
Protein change: p.Asp129fs; shifts the reading frame from aspartic acid 129.
Molecular consequence: frameshift variant.
Genome position (GRCh38, 1-based): chr7:75,980,367, A deleted. VCF-style (leftmost placement, unchanged base first): chr7-75980366-GA-G. GRCh37 (hg19) VCF-style: chr7-75609684-GA-G.
Other names: c.395delA, p.Asp132Alafs (NM_000941.2, NM_000941.3); c.386del, p.Asp129fs (NM_001367562.3, NM_001382657.2, NM_001382658.3 and 2 more transcripts); c.440del, p.Asp147fs (NM_001382655.3); short protein forms D129fs, D147fs.
Identifiers: ClinVar variation 2800886 (VCV002800886.3), dbSNP rs2535372434, ClinGen allele CA2739266470.
Genomic context (GRCh38, chr7:75,980,366, plus strand): 5'-GGCCGGGGCGCGGTCCTGTCCCTGTTTCTGCAGGCCGACCTGAGCAGCCTGCCAGAGATC[GA>G]CAACGCCCTGGTGGTTTTCTGCATGGCCACCTACGGTGAGGGAGACCCCACCGACAATGC-3'